The following is an entry in ClinVar:

NM_003072.5(SMARCA4):c.2750A>G (p.Lys917Arg)

Gene: SMARCA4 (SWI/SNF related BAF chromatin remodeling complex subunit ATPase 4; plus strand). Cytogenetic location: 19p13.2.
Variant type: single nucleotide variant.
Coding change: c.2750A>G on transcript NM_003072.5 (MANE Select); coding-DNA position 2750, A replaced by G.
Protein change: p.Lys917Arg; replaces lysine 917 with arginine.
Molecular consequence: missense variant. On other transcripts: non-coding transcript variant (1).
Genome position (GRCh38, 1-based): chr19:11,021,858, A>G. VCF-style: chr19-11021858-A-G. GRCh37 (hg19) VCF-style: chr19-11132534-A-G.
Other names: c.2750A>G, p.Lys917Arg (NM_001128844.3, NM_001128845.2, NM_001128846.2 and 4 more transcripts); short protein forms K917R.
Identifiers: ClinVar variation 821763 (VCV000821763.9), dbSNP rs771165740, ClinGen allele CA9204221.

ClinVar aggregate classification (germline): Uncertain significance. Review status: criteria provided, multiple submitters, no conflicts (2 of 4 stars). 2 submissions from 2 submitters: Uncertain significance (2). Last evaluated 2023-06-09.

Conditions:
Hereditary cancer-predisposing syndrome. Also called: Tumor predisposition; Hereditary Cancer Syndrome; Neoplastic Syndromes, Hereditary; Hereditary neoplastic syndrome. Identifiers: Orphanet 140162, MedGen C0027672, MeSH D009386, MONDO:0015356.
Rhabdoid tumor predisposition syndrome 2 (RTPS2). Identifiers: Orphanet 231108, Orphanet 69077, MedGen C2750074, MONDO:0013224, OMIM 613325.

Allele frequency attached by ClinVar (database versions not stated): gnomAD exomes below 0.00001; ExAC 0.00001.
gnomAD v4.1: 1 of 1,613,766 alleles (0.000062%); highest among the groups gnomAD compares: Non-Finnish European, 0.000085%; no homozygotes.

Submissions (2):

Labcorp Genetics (formerly Invitae), Labcorp
Classification: Uncertain significance for Rhabdoid tumor predisposition syndrome 2. Last evaluated: 2023-06-09. Review status: criteria provided, single submitter. Criteria: Invitae Variant Classification Sherloc (09022015). Collection method: clinical testing. Allele origin: germline.
Comment: In summary, the available evidence is currently insufficient to determine the role of this variant in disease. Therefore, it has been classified as a Variant of Uncertain Significance. Advanced modeling of protein sequence and biophysical properties (such as structural, functional, and spatial information, amino acid conservation, physicochemical variation, residue mobility, and thermodynamic stability) has been performed at Invitae for this missense variant, however the output from this modeling did not meet the statistical confidence thresholds required to predict the impact of this variant on SMARCA4 protein function. ClinVar contains an entry for this variant (Variation ID: 821763). This variant has not been reported in the literature in individuals affected with SMARCA4-related conditions. This variant is present in population databases (rs771165740, gnomAD 0.0009%). This sequence change replaces lysine, which is basic and polar, with arginine, which is basic and polar, at codon 917 of the SMARCA4 protein (p.Lys917Arg).

Ambry Genetics
Classification: Uncertain significance for Hereditary cancer-predisposing syndrome. Last evaluated: 2019-10-31. Review status: criteria provided, single submitter. Criteria: Ambry Variant Classification Scheme 2023. Collection method: clinical testing. Allele origin: germline.
Comment: The p.K917R variant (also known as c.2750A>G), located in coding exon 18 of the SMARCA4 gene, results from an A to G substitution at nucleotide position 2750. The lysine at codon 917 is replaced by arginine, an amino acid with highly similar properties. This amino acid position is highly conserved in available vertebrate species. In addition, this alteration is predicted to be deleterious by in silico analysis. Since supporting evidence is limited at this time, the clinical significance of this alteration remains unclear.